The following is an entry in ClinVar:

ClinVar aggregate classification (germline): Uncertain significance (1 of 4 stars; one submission).

Conditions:
Trimethylaminuria (TMAU). Also called: Primary Trimethylaminuria; Fish malodor syndrome; Stale fish syndrome; TMAuria; FISH-ODOR SYNDROME. Identifiers: MedGen C0342739, MONDO:0011182, OMIM 602079, HP:0003614. Disease mechanism: loss of function.

Submission:

Myriad Genetics, Inc.
Classification: Uncertain significance for Trimethylaminuria. Last evaluated: 2025-07-30. Review status: criteria provided, single submitter. Criteria: Myriad Autosomal Dominant, Autosomal Recessive and X-Linked Classification Criteria (2023). Collection method: clinical testing. Allele origin: unknown.
Comment: NM_001002294.2(FMO3):c.23T>C(I8T) is a missense variant classified as a variant of uncertain significance in the context of primary trimethylaminuria. I8T has been observed in cases with relevant disease (PMID: 21422137, 40078825). Relevant functional assessments of this variant are not available in the literature. I8T has been observed in referenced population frequency databases. In summary, there is insufficient evidence to classify NM_001002294.2(FMO3):c.23T>C(I8T) as pathogenic or benign. Please note: this variant was assessed in the context of healthy population screening.

Literature cited by the submitters: PubMed 21422137; PubMed 40078825.

NM_001002294.3(FMO3):c.23T>C (p.Ile8Thr)

Gene: FMO3 (flavin containing dimethylaniline monoxygenase 3; plus strand). Cytogenetic location: 1q24.3.
Variant type: single nucleotide variant.
Coding change: c.23T>C on transcript NM_001002294.3 (MANE Select); coding-DNA position 23, T replaced by C.
Protein change: p.Ile8Thr; replaces isoleucine 8 with threonine.
Molecular consequence: missense variant. On other transcripts: 5 prime UTR variant (1).
Genome position (GRCh38, 1-based): chr1:171,092,681, T>C. VCF-style: chr1-171092681-T-C. GRCh37 (hg19) VCF-style: chr1-171061822-T-C.
Other names: c.-165T>C (NM_001319173.2); c.23T>C, p.Ile8Thr (NM_001319174.2, NM_006894.6); short protein forms I8T.
Identifiers: ClinVar variation 5003929 (VCV005003929.1).
Genomic context (GRCh38, chr1:171,092,681, plus strand): 5'-TTACTGGAAATGTTCTCTGGGCCTTTGCACAGGTTACCATGGGGAAGAAAGTGGCCATCA[T>C]TGGAGCTGGTGTGAGTGGCTTGGCCTCCATCAGGAGCTGTCTGGAAGAGGGGCTGGAGCC-3'
Protein context (NP_001002294.1, residues 1-18): MGKKVAI[Ile8Thr]GAGVSGLASI